The following is an entry in ClinVar:

ClinVar aggregate classification (germline): Uncertain significance (1 of 4 stars; one submission).

Conditions:
Biotin-responsive basal ganglia disease (BTBGD). Also called: Thiamine metabolism dysfunction syndrome type 2; Thiamine Transporter-2 Deficiency; THIAMINE METABOLISM DYSFUNCTION SYNDROME 2 (BIOTIN- AND THIAMINE-RESPONSIVE TYPE); Thiamine metabolism dysfunction syndrome 2 (biotin- or thiamine-responsive encephalopathy type 2); thiamine-responsive encephalopathy. Identifiers: Orphanet 199348, Orphanet 65284, MedGen C1843807, MONDO:0011841, OMIM 607483.

Allele frequency attached by ClinVar (database versions not stated): gnomAD exomes below 0.00001 and 0.00001; TOPMed 0.00001.
gnomAD v4.1: 1 of 1,613,646 alleles (0.000062%); highest among the groups gnomAD compares: Admixed American, 0.0017%; no homozygotes.

Submission:

Labcorp Genetics (formerly Invitae), Labcorp
Classification: Uncertain significance for Biotin-responsive basal ganglia disease. Last evaluated: 2021-02-06. Review status: criteria provided, single submitter. Criteria: Invitae Variant Classification Sherloc (09022015). Collection method: clinical testing. Allele origin: germline.
Comment: This variant is not present in population databases (ExAC no frequency). This sequence change replaces glutamic acid with glycine at codon 486 of the SLC19A3 protein (p.Glu486Gly). The glutamic acid residue is weakly conserved and there is a moderate physicochemical difference between glutamic acid and glycine. This variant has not been reported in the literature in individuals with SLC19A3-related conditions. Advanced modeling of protein sequence and biophysical properties (such as structural, functional, and spatial information, amino acid conservation, physicochemical variation, residue mobility, and thermodynamic stability) performed at Invitae indicates that this missense variant is not expected to disrupt SLC19A3 protein function. In summary, the available evidence is currently insufficient to determine the role of this variant in disease. Therefore, it has been classified as a Variant of Uncertain Significance.

NM_025243.4(SLC19A3):c.1457A>G (p.Glu486Gly)

Gene: SLC19A3 (solute carrier family 19 member 3; minus strand). Cytogenetic location: 2q36.3.
Variant type: single nucleotide variant.
Coding change: c.1457A>G on transcript NM_025243.4 (MANE Select); coding-DNA position 1457, A replaced by G.
Protein change: p.Glu486Gly; replaces glutamic acid 486 with glycine.
Molecular consequence: missense variant.
Genome position (GRCh38, 1-based): chr2:227,687,431, T>C on the plus strand (A>G on the coding strand, the complement: SLC19A3 is on the minus strand). VCF-style: chr2-227687431-T-C. GRCh37 (hg19) VCF-style: chr2-228552147-T-C.
Other names: c.1457A>G, p.Glu486Gly (NM_001371411.1, NM_001371412.1); c.1445A>G, p.Glu482Gly (NM_001371413.1, NM_001371414.1); short protein forms E486G, E482G.
Identifiers: ClinVar variation 1434945 (VCV001434945.8), dbSNP rs1338153783, ClinGen allele CA350874997.